The following is an entry in ClinVar:

ClinVar aggregate classification (germline): Uncertain significance (1 of 4 stars; one submission).

Conditions:
CUX2-related disorder. Also called: CUX2-related condition.

Submission:

PreventionGenetics, part of Exact Sciences
Classification: Uncertain significance for CUX2-related condition. Last evaluated: 2024-12-16. Review status: criteria provided, single submitter. Criteria: ACMG Guidelines, 2015. Collection method: clinical testing. Allele origin: germline.
Comment: The CUX2 c.439C>T variant is predicted to result in premature protein termination (p.Gln147*). To our knowledge, this variant has not been reported in the literature or in a large population database (gnomAD), indicating this variant is rare. At this time, the clinical significance of this variant is uncertain due to the absence of conclusive functional and genetic evidence.

NM_015267.4(CUX2):c.439C>T (p.Gln147Ter)

Gene: CUX2 (cut like homeobox 2; plus strand). Cytogenetic location: 12q24.11.
Variant type: single nucleotide variant.
Coding change: c.439C>T on transcript NM_015267.4 (MANE Select); coding-DNA position 439, C replaced by T.
Protein change: p.Gln147Ter; replaces glutamine 147 with a stop codon.
Molecular consequence: nonsense.
Genome position (GRCh38, 1-based): chr12:111,293,448, C>T. VCF-style: chr12-111293448-C-T. GRCh37 (hg19) VCF-style: chr12-111731252-C-T.
Other names: c.253C>T, p.Gln85Ter (NM_001370598.1); short protein forms Q85*, Q147*.
Identifiers: ClinVar variation 5000470 (VCV005000470.1).